The following is an entry in ClinVar:

NM_144997.7(FLCN):c.1029del (p.Pro344fs)

Gene: FLCN (folliculin; minus strand). Cytogenetic location: 17p11.2.
Variant type: Deletion.
Coding change: c.1029del on transcript NM_144997.7 (MANE Select); coding-DNA position 1029, one base deleted (G; older notation c.1029delG).
Protein change: p.Pro344fs; shifts the reading frame from proline 344.
Molecular consequence: frameshift variant.
Genome position (GRCh38, 1-based): chr17:17,219,052, C deleted on the plus strand (G on the coding strand, the reverse complement: FLCN is on the minus strand). VCF-style (leftmost placement, unchanged base first): chr17-17219051-GC-G. GRCh37 (hg19) VCF-style: chr17-17122365-GC-G.
Other names: c.1083del, p.Pro362fs (NM_001353229.2); c.1029del, p.Pro344fs (NM_001353230.2, NM_001353231.2); short protein forms P344fs, P362fs.
Identifiers: ClinVar variation 1770445 (VCV001770445.3), dbSNP rs2544193577, ClinGen allele CA2580092611.

ClinVar aggregate classification (germline): Pathogenic (1 of 4 stars; one submission).

Conditions:
Hereditary cancer-predisposing syndrome. Also called: Hereditary Cancer Syndrome; Hereditary neoplastic syndrome; Neoplastic Syndromes, Hereditary; Tumor predisposition. Identifiers: Orphanet 140162, MedGen C0027672, MeSH D009386, MONDO:0015356.

Submission:

Ambry Genetics
Classification: Pathogenic for Hereditary cancer-predisposing syndrome. Last evaluated: 2026-06-22. Review status: criteria provided, single submitter. Criteria: Ambry Variant Classification Scheme 2023. Collection method: clinical testing. Allele origin: germline.
Comment: The c.1029delG pathogenic mutation, located in coding exon 6 of the FLCN gene, results from a deletion of one nucleotide at nucleotide position 1029, causing a translational frameshift with a predicted alternate stop codon (p.P344Qfs*9). This variant was reported in individual(s) with features consistent with Birt-Hogg-Dube syndrome (Ambry internal data). This variant is considered to be rare based on population cohorts in the Genome Aggregation Database (gnomAD). This alteration is expected to result in loss of function by premature protein truncation or nonsense-mediated mRNA decay. As such, this alteration is interpreted as a disease-causing mutation.